The following is an entry in ClinVar:

ClinVar aggregate classification (germline): Likely pathogenic (1 of 4 stars; one submission).

Conditions:
Long QT syndrome (LQTS). Identifiers: MedGen C0023976, MeSH D008133, MONDO:0002442. Disease mechanism: loss of function. Inheritance: Various modes of inheritance.

Submission:

Labcorp Genetics (formerly Invitae), Labcorp
Classification: Likely pathogenic for Long QT syndrome. Last evaluated: 2023-10-22. Review status: criteria provided, single submitter. Criteria: Invitae Variant Classification Sherloc (09022015). Collection method: clinical testing. Allele origin: germline.
Comment: This variant results in the deletion of part of exon 9 of the KCNH2 gene. It is expected to disrupt RNA splicing. Variants that disrupt the donor or acceptor splice site typically lead to a loss of protein function (PMID: 16199547), and loss-of-function variants in KCNH2 are known to be pathogenic (PMID: 10973849, 19862833). This variant has not been reported in the literature in individuals affected with KCNH2-related conditions. In summary, the currently available evidence indicates that the variant is pathogenic, but additional data are needed to prove that conclusively. Therefore, this variant has been classified as Likely Pathogenic.

Literature cited by the submitters: PubMed 16199547; PubMed 10973849; PubMed 19862833.

NM_000238.4(KCNH2):c.2398_2398+21del

Gene: KCNH2 (potassium voltage-gated channel subfamily H member 2; minus strand). Cytogenetic location: 7q36.1.
Variant type: Deletion.
Coding change: c.2398_2398+21del on transcript NM_000238.4 (MANE Select); coding-DNA position 2398 through 21 bases into the intron after coding-DNA position 2398, 22 bases deleted (GGTATGGGGTGGGGGGCGGGCA).
Molecular consequence: splice donor variant. On other transcripts: frameshift variant (5).
Genome position (GRCh38, 1-based): chr7:150,950,147-150,950,168, TGCCCGCCCCCCACCCCATACC deleted on the plus strand (GGTATGGGGTGGGGGGCGGGCA on the coding strand, the reverse complement: KCNH2 is on the minus strand). VCF-style (leftmost placement, unchanged base first): chr7-150950146-GTGCCCGCCCCCCACCCCATACC-G. GRCh37 (hg19) VCF-style: chr7-150647234-GTGCCCGCCCCCCACCCCATACC-G.
Other names: c.1378_1399del, p.Gly460fs (NM_001204798.2); c.2221_2242del, p.Gly741fs (NM_001406755.1); c.2110_2131del, p.Gly704fs (NM_001406756.1); c.2098_2119del, p.Gly700fs (NM_001406757.1); c.2398_2419del, p.Gly800fs (NM_172056.3); c.2110_2110+21del (NM_001406753.1); c.1378_1378+21del (NM_172057.3); short protein forms G800fs, G704fs, G460fs, G700fs, G741fs.
Identifiers: ClinVar variation 2770983 (VCV002770983.3), dbSNP rs2486023517, ClinGen allele CA2697557669.